The following is an entry in ClinVar:

NM_001482.3(GATM):c.676-1G>C

Gene: GATM (glycine amidinotransferase; minus strand). Cytogenetic location: 15q21.1.
Variant type: single nucleotide variant.
Coding change: c.676-1G>C on transcript NM_001482.3 (MANE Select); the canonical splice acceptor site of the intron before coding-DNA position 676, G replaced by C.
Molecular consequence: splice acceptor variant.
Genome position (GRCh38, 1-based): chr15:45,366,509, C>G on the plus strand (G>C on the coding strand, the complement: GATM is on the minus strand). VCF-style: chr15-45366509-C-G. GRCh37 (hg19) VCF-style: chr15-45658707-C-G.
Other names: c.289-1G>C (NM_001321015.2).
Identifiers: ClinVar variation 2751845 (VCV002751845.3), dbSNP rs2541989303, ClinGen allele CA392259538.

ClinVar aggregate classification (germline): Likely pathogenic (1 of 4 stars; one submission).

Conditions:
Arginine:glycine amidinotransferase deficiency (CCDS3). Also called: L-Arginine:Glycine Amidinotransferase (AGAT) Deficiency; AGAT deficiency; L-Arginine:Glycine Amidinotransferase Deficiency; Creatine deficiency syndrome due to AGAT deficiency; GATM deficiency; Cerebral creatine deficiency syndrome 3. Identifiers: Orphanet 35704, MedGen C2675179, MONDO:0012996, OMIM 612718.

Submission:

Labcorp Genetics (formerly Invitae), Labcorp
Classification: Likely pathogenic for Arginine:glycine amidinotransferase deficiency. Last evaluated: 2023-08-11. Review status: criteria provided, single submitter. Criteria: Invitae Variant Classification Sherloc (09022015). Collection method: clinical testing. Allele origin: germline.
Comment: Algorithms developed to predict the effect of sequence changes on RNA splicing suggest that this variant may disrupt the consensus splice site. This variant has not been reported in the literature in individuals affected with GATM-related conditions. This variant is not present in population databases (gnomAD no frequency). This sequence change affects an acceptor splice site in intron 4 of the GATM gene. It is expected to disrupt RNA splicing. Variants that disrupt the donor or acceptor splice site typically lead to a loss of protein function (PMID: 16199547), and loss-of-function variants in GATM are known to be pathogenic (PMID: 11555793). In summary, the currently available evidence indicates that the variant is pathogenic, but additional data are needed to prove that conclusively. Therefore, this variant has been classified as Likely Pathogenic.

Literature cited by the submitters: PubMed 16199547; PubMed 11555793.